The following is an entry in ClinVar:

ClinVar aggregate classification (germline): Benign/Likely benign. Review status: criteria provided, multiple submitters, no conflicts (2 of 4 stars). 4 submissions from 4 submitters: Benign (1); Likely benign (3). Last evaluated 2026-02-01.

Conditions:
Nephronophthisis 14 (NPHP14). Identifiers: Orphanet 2318, MedGen C3539071, MONDO:0013916, OMIM 614844.

Allele frequency attached by ClinVar (database versions not stated): gnomAD 0.00061; TOPMed 0.00066; ExAC 0.00069; ESP Exome Variant Server 0.00069; gnomAD exomes 0.00093.
gnomAD v4.1: 768 of 1,613,992 alleles (0.048%); highest among the groups gnomAD compares: South Asian, 0.031%; 3 homozygotes.

Submissions (4):

Labcorp Genetics (formerly Invitae), Labcorp
Classification: Benign for Nephronophthisis 14. Last evaluated: 2026-02-01. Review status: criteria provided, single submitter. Criteria: Invitae Variant Classification Sherloc (09022015). Collection method: clinical testing. Allele origin: germline.

Blueprint Genetics
Classification: Likely benign. Last evaluated: 2024-10-07. Review status: criteria provided, single submitter. Criteria: ACMG Guidelines, 2015. Collection method: clinical testing. Allele origin: germline.

CeGaT Center for Human Genetics Tuebingen
Classification: Likely benign. Last evaluated: 2023-02-01. Review status: criteria provided, single submitter. Criteria: CeGaT Center For Human Genetics Tuebingen Variant Classification Criteria Version 2. Collection method: clinical testing. Allele origin: germline. Affected: yes. Observed: 2 variant alleles.
Comment: ZNF423: BP4, BP7

Fulgent Genetics
Classification: Likely benign for Nephronophthisis 14. Last evaluated: 2021-11-12. Review status: criteria provided, single submitter. Criteria: ACMG Guidelines, 2015. Collection method: clinical testing. Allele origin: unknown.

NM_001379286.1(ZNF423):c.1677G>A (p.Pro559=)

Gene: ZNF423 (zinc finger protein 423; minus strand). Cytogenetic location: 16q12.1.
Variant type: single nucleotide variant.
Coding change: c.1677G>A on transcript NM_001379286.1 (MANE Select); coding-DNA position 1677, G replaced by A.
Protein change: p.Pro559=; no amino-acid change (proline 559 retained).
Molecular consequence: synonymous variant.
Genome position (GRCh38, 1-based): chr16:49,637,499, C>T on the plus strand (G>A on the coding strand, the complement: ZNF423 is on the minus strand). VCF-style: chr16-49637499-C-T. GRCh37 (hg19) VCF-style: chr16-49671410-C-T.
Other names: c.1473G>A, p.Pro491= (NM_001271620.2); c.1302G>A, p.Pro434= (NM_001330533.2); c.1653G>A, p.Pro551= (NM_015069.5).
Identifiers: ClinVar variation 771067 (VCV000771067.36), dbSNP rs142344079, ClinGen allele CA8046640.